The following is an entry in ClinVar:

NM_015311.3(OBSL1):c.1742G>A (p.Cys581Tyr)

Gene: OBSL1 (obscurin like cytoskeletal adaptor 1; minus strand). Cytogenetic location: 2q35.
Variant type: single nucleotide variant.
Coding change: c.1742G>A on transcript NM_015311.3 (MANE Select); coding-DNA position 1742, G replaced by A.
Protein change: p.Cys581Tyr; replaces cysteine 581 with tyrosine.
Molecular consequence: missense variant.
Genome position (GRCh38, 1-based): chr2:219,567,368, C>T on the plus strand (G>A on the coding strand, the complement: OBSL1 is on the minus strand). VCF-style: chr2-219567368-C-T. GRCh37 (hg19) VCF-style: chr2-220432090-C-T.
Other names: c.1742G>A, p.Cys581Tyr (NM_001173408.2, NM_001173431.2); short protein forms C581Y.
Identifiers: ClinVar variation 2172505 (VCV002172505.2), dbSNP rs202242827, ClinGen allele CA2131442.

ClinVar aggregate classification (germline): Uncertain significance. Review status: criteria provided, multiple submitters, no conflicts (2 of 4 stars). 2 submissions from 2 submitters: Uncertain significance (2). Last evaluated 2025-12-09.

Allele frequency attached by ClinVar (database versions not stated): ExAC 0.00004; TOPMed 0.00006; gnomAD 0.00007; ESP Exome Variant Server 0.00008; gnomAD exomes 0.00019.
gnomAD v4.1: 293 of 1,612,688 alleles (0.018%); highest among the groups gnomAD compares: Non-Finnish European, 0.024%; no homozygotes.

Submissions (2):

Women's Health and Genetics/Laboratory Corporation of America, LabCorp
Classification: Uncertain significance. Last evaluated: 2025-12-09. Review status: criteria provided, single submitter. Criteria: LabCorp Variant Classification Summary - May 2015. Collection method: clinical testing. Allele origin: germline.
Comment: Variant summary: OBSL1 c.1742G>A (p.Cys581Tyr) results in a non-conservative amino acid change in the encoded protein sequence. Algorithms developed to predict the effect of missense changes on protein structure and function are either unavailable or do not agree on the potential impact of this missense change. The variant allele was found at a frequency of 4.9e-05 in 246476 control chromosomes. This frequency is not significantly higher than estimated for disease-causing variants in OBSL1, allowing no conclusion about variant significance. To our knowledge, no occurrence of c.1742G>A in individuals affected with OBSL1-related conditions and no experimental evidence demonstrating its impact on protein function have been reported. ClinVar contains an entry for this variant (Variation ID: 2172505). Based on the evidence outlined above, the variant was classified as uncertain significance.

Labcorp Genetics (formerly Invitae), Labcorp
Classification: Uncertain significance. Last evaluated: 2021-12-27. Review status: criteria provided, single submitter. Criteria: Invitae Variant Classification Sherloc (09022015). Collection method: clinical testing. Allele origin: germline.
Comment: This sequence change replaces cysteine, which is neutral and slightly polar, with tyrosine, which is neutral and polar, at codon 581 of the OBSL1 protein (p.Cys581Tyr). This variant is present in population databases (rs202242827, gnomAD 0.02%). This variant has not been reported in the literature in individuals affected with OBSL1-related conditions. Algorithms developed to predict the effect of missense changes on protein structure and function are either unavailable or do not agree on the potential impact of this missense change (SIFT: "Deleterious"; PolyPhen-2: "Possibly Damaging"; Align-GVGD: "Class C0"). In summary, the available evidence is currently insufficient to determine the role of this variant in disease. Therefore, it has been classified as a Variant of Uncertain Significance.